The following is an entry in ClinVar:

NM_032043.3(BRIP1):c.1286del (p.Asn429fs)

Gene: BRIP1 (BRCA1 interacting DNA helicase 1; minus strand). Cytogenetic location: 17q23.2.
Variant type: Deletion.
Coding change: c.1286del on transcript NM_032043.3 (MANE Select); coding-DNA position 1286, one base deleted (A; older notation c.1286delA).
Protein change: p.Asn429fs; shifts the reading frame from asparagine 429.
Molecular consequence: frameshift variant.
Genome position (GRCh38, 1-based): chr17:61,799,154, T deleted on the plus strand (A on the coding strand, the reverse complement: BRIP1 is on the minus strand); the first of 2 consecutive T bases (chr17:61,799,154-61,799,155); deleting either gives the same sequence. VCF-style (leftmost placement, unchanged base first): chr17-61799153-AT-A. GRCh37 (hg19) VCF-style: chr17-59876514-AT-A.
Other names: short protein forms N429fs.
Identifiers: ClinVar variation 3904617 (VCV003904617.2).

ClinVar aggregate classification (germline): Pathogenic. Review status: criteria provided, multiple submitters, no conflicts (2 of 4 stars). 2 submissions from 2 submitters: Pathogenic (2). Last evaluated 2025-06-19.

Conditions:
Fanconi anemia complementation group J. Also called: BRIP1-Related Fanconi Anemia. Identifiers: Orphanet 84, MedGen C1836860, MONDO:0012187, OMIM 609054.
Familial cancer of breast. Also called: Hereditary breast cancer; BREAST CANCER, FAMILIAL; hereditary breast carcinoma. Identifiers: Orphanet 227535, MedGen C0346153, MONDO:0016419, OMIM 114480. Disease mechanism: loss of function.

Submissions (2):

Labcorp Genetics (formerly Invitae), Labcorp
Classification: Pathogenic for Familial cancer of breast; Fanconi anemia complementation group J. Last evaluated: 2025-06-19. Review status: criteria provided, single submitter. Criteria: Invitae Variant Classification Sherloc (09022015). Collection method: clinical testing. Allele origin: germline.
Comment: This sequence change creates a premature translational stop signal (p.Asn429Ilefs*2) in the BRIP1 gene. It is expected to result in an absent or disrupted protein product. Loss-of-function variants in BRIP1 are known to be pathogenic (PMID: 16116423, 17033622, 21964575). This variant is not present in population databases (gnomAD no frequency). This variant has not been reported in the literature in individuals affected with BRIP1-related conditions. For these reasons, this variant has been classified as Pathogenic.

Myriad Genetics, Inc.
Classification: Pathogenic for Familial cancer of breast. Last evaluated: 2024-12-16. Review status: criteria provided, single submitter. Criteria: Myriad Autosomal Dominant, Autosomal Recessive and X-Linked Classification Criteria (2023). Collection method: clinical testing. Allele origin: unknown.
Comment: This variant is considered pathogenic. This variant creates a frameshift predicted to result in premature protein truncation.

Literature cited by the submitters: PubMed 16116423 (cited by Labcorp Genetics (formerly Invitae), Labcorp); PubMed 17033622 (cited by Labcorp Genetics (formerly Invitae), Labcorp); PubMed 21964575 (cited by Labcorp Genetics (formerly Invitae), Labcorp).